The following is an entry in ClinVar:

NM_000093.5(COL5A1):c.3873T>C (p.Gly1291=)

Gene: COL5A1 (collagen type V alpha 1 chain; plus strand). Cytogenetic location: 9q34.3.
Variant type: single nucleotide variant.
Coding change: c.3873T>C on transcript NM_000093.5 (MANE Select); coding-DNA position 3873, T replaced by C.
Protein change: p.Gly1291=; no amino-acid change (glycine 1291 retained).
Molecular consequence: synonymous variant.
Genome position (GRCh38, 1-based): chr9:134,814,003, T>C. VCF-style: chr9-134814003-T-C. GRCh37 (hg19) VCF-style: chr9-137705849-T-C.
Other names: c.3873T>C, p.Gly1291= (NM_001278074.1).
Identifiers: ClinVar variation 2019008 (VCV002019008.4), dbSNP rs1005323480, ClinGen allele CA467663225.

ClinVar aggregate classification (germline): Uncertain significance (1 of 4 stars; one submission).

Conditions:
Ehlers-Danlos syndrome, classic type, 1 (EDSCL1). Also called: EHLERS-DANLOS SYNDROME, GRAVIS TYPE; EHLERS-DANLOS SYNDROME, SEVERE CLASSIC TYPE; Ehlers-Danlos syndrome, type 1; EDS I; Ehlers-Danlos Syndrome, Classic Type, COL5A1-Related. Identifiers: MedGen C0268335, MONDO:0019567, OMIM 130000.

Submission:

Labcorp Genetics (formerly Invitae), Labcorp
Classification: Uncertain significance for Ehlers-Danlos syndrome, classic type, 1. Last evaluated: 2022-08-17. Review status: criteria provided, single submitter. Criteria: Invitae Variant Classification Sherloc (09022015). Collection method: clinical testing. Allele origin: germline.
Comment: Algorithms developed to predict the effect of sequence changes on RNA splicing suggest that this variant may disrupt the consensus splice site. This variant has not been reported in the literature in individuals affected with COL5A1-related conditions. This variant is not present in population databases (gnomAD no frequency). This sequence change affects codon 1291 of the COL5A1 mRNA. It is a 'silent' change, meaning that it does not change the encoded amino acid sequence of the COL5A1 protein. In summary, the available evidence is currently insufficient to determine the role of this variant in disease. Therefore, it has been classified as a Variant of Uncertain Significance.